The following is an entry in ClinVar:

NM_001253852.3(AP4B1):c.512A>G (p.Gln171Arg)

Gene: AP4B1 (adaptor related protein complex 4 subunit beta 1; minus strand). Cytogenetic location: 1p13.2.
Variant type: single nucleotide variant.
Coding change: c.512A>G on transcript NM_001253852.3 (MANE Select); coding-DNA position 512, A replaced by G.
Protein change: p.Gln171Arg; replaces glutamine 171 with arginine.
Molecular consequence: missense variant. On other transcripts: intron variant (1).
Genome position (GRCh38, 1-based): chr1:113,901,341, T>C on the plus strand (A>G on the coding strand, the complement: AP4B1 is on the minus strand). VCF-style: chr1-113901341-T-C. GRCh37 (hg19) VCF-style: chr1-114443963-T-C.
Other names: c.215A>G, p.Gln72Arg (NM_001253853.3); c.512A>G, p.Gln171Arg (NM_006594.5); c.114-941A>G (NM_001308312.2); short protein forms Q171R, Q72R.
Identifiers: ClinVar variation 2091464 (VCV002091464.4), dbSNP rs1341453528, ClinGen allele CA341714408.

ClinVar aggregate classification (germline): Uncertain significance (1 of 4 stars; one submission).

Conditions:
Hereditary spastic paraplegia 47. Also called: adaptor protein 4 (AP-4) deficiency syndrome; Spastic paraplegia 47, autosomal recessive; CEREBRAL PALSY, SPASTIC QUADRIPLEGIC, 5. Identifiers: Orphanet 280763, MedGen C3279738, MONDO:0013551, OMIM 614066.

Allele frequency attached by ClinVar (database versions not stated): gnomAD 0.00001; TOPMed 0.00001.
gnomAD v4.1: 1 of 1,613,964 alleles (0.000062%); highest among the groups gnomAD compares: African/African-American, 0.0013%; no homozygotes.

Submission:

Labcorp Genetics (formerly Invitae), Labcorp
Classification: Uncertain significance for Hereditary spastic paraplegia 47. Last evaluated: 2022-07-29. Review status: criteria provided, single submitter. Criteria: Invitae Variant Classification Sherloc (09022015). Collection method: clinical testing. Allele origin: germline.
Comment: This sequence change replaces glutamine, which is neutral and polar, with arginine, which is basic and polar, at codon 171 of the AP4B1 protein (p.Gln171Arg). This variant is present in population databases (no rsID available, gnomAD 0.003%). This variant has not been reported in the literature in individuals affected with AP4B1-related conditions. Algorithms developed to predict the effect of missense changes on protein structure and function (SIFT, PolyPhen-2, Align-GVGD) all suggest that this variant is likely to be tolerated. In summary, the available evidence is currently insufficient to determine the role of this variant in disease. Therefore, it has been classified as a Variant of Uncertain Significance.